The following is an entry in ClinVar:

ClinVar aggregate classification (germline): Uncertain significance (1 of 4 stars; one submission).

Conditions:
Dilated cardiomyopathy 1G (CMD1G). Identifiers: Orphanet 154, MedGen C1858763, MONDO:0011400, OMIM 604145.
Autosomal recessive limb-girdle muscular dystrophy type 2J (LGMDR10). Also called: Limb-girdle muscular dystrophy, type 2J; MUSCULAR DYSTROPHY, LIMB-GIRDLE, AUTOSOMAL RECESSIVE 10. Identifiers: Orphanet 140922, MedGen C1837342, MONDO:0012127, OMIM 608807.

Submission:

Labcorp Genetics (formerly Invitae), Labcorp
Classification: Uncertain significance for Dilated cardiomyopathy 1G; Autosomal recessive limb-girdle muscular dystrophy type 2J. Last evaluated: 2025-10-29. Review status: criteria provided, single submitter. Criteria: Invitae Variant Classification Sherloc (09022015). Collection method: clinical testing. Allele origin: germline.
Comment: This sequence change replaces proline, which is neutral and non-polar, with arginine, which is basic and polar, at codon 35897 of the TTN protein (p.Pro35897Arg). This variant is not present in population databases (gnomAD no frequency). This missense change has been observed in individual(s) with clinical features of autosomal recessive TTN-related conditions (internal data). ClinVar contains an entry for this variant (Variation ID: 1372062). Experimental studies and prediction algorithms are not available or were not evaluated, and the functional significance of this variant is currently unknown. This variant is located in the M band of TTN (PMID: 25589632). Non-truncating variants in this region may be relevant for neuromuscular disorders, but have not been definitively shown to cause cardiomyopathy (PMID: 23975875). In summary, the available evidence is currently insufficient to determine the role of this variant in disease. Therefore, it has been classified as a Variant of Uncertain Significance.

Literature cited by the submitters: PubMed 25589632; PubMed 23975875.

NM_001267550.2(TTN):c.107690C>G (p.Pro35897Arg)

Genes: TTN (titin; minus strand), TTN-AS1 (TTN antisense RNA 1; plus strand). Cytogenetic location: 2q31.2.
Variant type: single nucleotide variant.
Coding change: c.107690C>G on transcript NM_001267550.2 (MANE Select); coding-DNA position 107690, C replaced by G.
Protein change: p.Pro35897Arg; replaces proline 35897 with arginine.
Molecular consequence: missense variant.
Genome position (GRCh38, 1-based): chr2:178,527,298, G>C on the plus strand (C>G on the coding strand, the complement: TTN is on the minus strand). VCF-style: chr2-178527298-G-C. GRCh37 (hg19) VCF-style: chr2-179392025-G-C.
Other names: c.102767C>G, p.Pro34256Arg (NM_001256850.1); c.80495C>G, p.Pro26832Arg (NM_003319.4); c.99986C>G, p.Pro33329Arg (NM_133378.4); c.80870C>G, p.Pro26957Arg (NM_133432.3); c.81071C>G, p.Pro27024Arg (NM_133437.4); short protein forms P26832R, P27024R, P33329R, P34256R, P26957R, P35897R.
Identifiers: ClinVar variation 1372062 (VCV001372062.6), dbSNP rs1558956138, ClinGen allele CA349399632.